The following is an entry in ClinVar:

NM_001035.3(RYR2):c.2566T>G (p.Ser856Ala)

Gene: RYR2 (ryanodine receptor 2; plus strand). Cytogenetic location: 1q43.
Variant type: single nucleotide variant.
Coding change: c.2566T>G on transcript NM_001035.3 (MANE Select); coding-DNA position 2566, T replaced by G.
Protein change: p.Ser856Ala; replaces serine 856 with alanine.
Molecular consequence: missense variant.
Genome position (GRCh38, 1-based): chr1:237,503,458, T>G. VCF-style: chr1-237503458-T-G. GRCh37 (hg19) VCF-style: chr1-237666758-T-G.
Other names: c.2566T>G (NM_001035.2); short protein forms S856A.
Identifiers: ClinVar variation 2089489 (VCV002089489.5), dbSNP rs755459247, ClinGen allele CA345379492.

ClinVar aggregate classification (germline): Uncertain significance. Review status: criteria provided, multiple submitters, no conflicts (2 of 4 stars). 2 submissions from 2 submitters: Uncertain significance (2). Last evaluated 2026-03-15.

Conditions:
Cardiovascular phenotype. Identifiers: MedGen CN230736.
Catecholaminergic polymorphic ventricular tachycardia 1. Also called: VENTRICULAR TACHYCARDIA, CATECHOLAMINERGIC POLYMORPHIC, 1, WITH OR WITHOUT ATRIAL DYSFUNCTION AND/OR DILATED CARDIOMYOPATHY; RYR2-Related Catecholaminergic Polymorphic Ventricular Tachycardia; VENTRICULAR TACHYCARDIA, STRESS-INDUCED POLYMORPHIC 1. Identifiers: Orphanet 3286, MedGen C1631597, MONDO:0011484, OMIM 604772.

gnomAD v4.1: 2 of 1,613,918 alleles (0.00012%); highest among the groups gnomAD compares: Admixed American, 0.0017%; no homozygotes.

Submissions (2):

Ambry Genetics
Classification: Uncertain significance for Cardiovascular phenotype. Last evaluated: 2026-03-15. Review status: criteria provided, single submitter. Criteria: Ambry Variant Classification Scheme 2023. Collection method: clinical testing. Allele origin: germline.
Comment: The p.S856A variant (also known as c.2566T>G), located in coding exon 22 of the RYR2 gene, results from a T to G substitution at nucleotide position 2566. The serine at codon 856 is replaced by alanine, an amino acid with similar properties. This amino acid position is conserved. In addition, this alteration is predicted to be tolerated by in silico analysis. Based on the available evidence, the clinical significance of this variant remains unclear.

Labcorp Genetics (formerly Invitae), Labcorp
Classification: Uncertain significance for Catecholaminergic polymorphic ventricular tachycardia 1. Last evaluated: 2022-01-26. Review status: criteria provided, single submitter. Criteria: Invitae Variant Classification Sherloc (09022015). Collection method: clinical testing. Allele origin: germline.
Comment: In summary, the available evidence is currently insufficient to determine the role of this variant in disease. Therefore, it has been classified as a Variant of Uncertain Significance. Advanced modeling of protein sequence and biophysical properties (such as structural, functional, and spatial information, amino acid conservation, physicochemical variation, residue mobility, and thermodynamic stability) performed at Invitae indicates that this missense variant is not expected to disrupt RYR2 protein function. This variant has not been reported in the literature in individuals affected with RYR2-related conditions. This variant is not present in population databases (gnomAD no frequency). This sequence change replaces serine, which is neutral and polar, with alanine, which is neutral and non-polar, at codon 856 of the RYR2 protein (p.Ser856Ala).